The following is an entry in ClinVar:

ClinVar aggregate classification (germline): Likely benign (1 of 4 stars; one submission).

gnomAD v4.1: 4 of 1,614,250 alleles (0.00025%); highest among the groups gnomAD compares: Non-Finnish European, 0.00034%; no homozygotes.

Submission:

CeGaT Center for Human Genetics Tuebingen
Classification: Likely benign. Last evaluated: 2024-09-01. Review status: criteria provided, single submitter. Criteria: CeGaT Center For Human Genetics Tuebingen Variant Classification Criteria Version 2. Collection method: clinical testing. Allele origin: germline. Affected: yes. Observed: 1 variant allele.
Comment: FGD4: BP4, BP7

NM_001370298.3(FGD4):c.805A>C (p.Arg269=)

Gene: FGD4 (FYVE, RhoGEF and PH domain containing 4; plus strand). Cytogenetic location: 12p11.21.
Variant type: single nucleotide variant.
Coding change: c.805A>C on transcript NM_001370298.3 (MANE Select); coding-DNA position 805, A replaced by C.
Protein change: p.Arg269=; no amino-acid change (arginine 269 retained).
Molecular consequence: synonymous variant. On other transcripts: 5 prime UTR variant (2), non-coding transcript variant (1), intron variant (1).
Genome position (GRCh38, 1-based): chr12:32,582,261, A>C. VCF-style: chr12-32582261-A-C. GRCh37 (hg19) VCF-style: chr12-32735195-A-C.
Other names: c.649A>C, p.Arg217= (NM_001304481.2); c.-451A>C (NM_001304483.2); c.-758A>C (NM_001304484.2); c.115A>C, p.Arg39= (NM_001330373.2, NM_001330374.2, NM_001384130.1); c.805A>C, p.Arg269= (NM_001384126.1); c.394A>C, p.Arg132= (NM_001384127.1, NM_001384128.1, NM_001384131.1 and 3 more transcripts); c.49-16236A>C (NM_001370297.1).
Identifiers: ClinVar variation 3390348 (VCV003390348.14).